The following is an entry in ClinVar:

NM_014516.4(CNOT3):c.2037+3A>G

Gene: CNOT3 (CCR4-NOT transcription complex subunit 3; plus strand). Cytogenetic location: 19q13.42.
Variant type: single nucleotide variant.
Coding change: c.2037+3A>G on transcript NM_014516.4 (MANE Select); 3 bases into the intron after coding-DNA position 2037, A replaced by G.
Molecular consequence: intron variant. On other transcripts: synonymous variant (2), non-coding transcript variant (1).
Genome position (GRCh38, 1-based): chr19:54,153,002, A>G. VCF-style: chr19-54153002-A-G. GRCh37 (hg19) VCF-style: chr19-54656739-A-G.
Other names: c.2043A>G, p.Val681= (NM_001440663.1); c.2040A>G, p.Val680= (NM_001440664.1); c.2040+3A>G (NM_001440662.1, NM_001440653.1, NM_001440661.1 and 2 more transcripts); c.1494+3A>G (NM_001440659.1, NM_001440660.1); c.2037+3A>G (NM_001440654.1, NM_001440658.1, NM_001440656.1).
Identifiers: ClinVar variation 4530913 (VCV004530913.1).

ClinVar aggregate classification (germline): Uncertain significance (1 of 4 stars; one submission).

Submission:

GeneDx
Classification: Uncertain significance. Last evaluated: 2025-05-19. Review status: criteria provided, single submitter. Criteria: GeneDx Variant Classification Process June 2021. Collection method: clinical testing. Allele origin: germline. Affected: yes.
Comment: Not observed at significant frequency in large population cohorts (gnomAD); Has not been previously published as pathogenic or benign to our knowledge; In silico analysis is inconclusive as to whether the variant alters gene splicing. In the absence of RNA/functional studies, the actual effect of this sequence change is unknown.